The following is an entry in ClinVar:

ClinVar aggregate classification (germline): Uncertain significance. Review status: criteria provided, multiple submitters, no conflicts (2 of 4 stars). 3 submissions from 3 submitters: Uncertain significance (3). Last evaluated 2025-09-24.

Conditions:
Atypical hemolytic-uremic syndrome with C3 anomaly. Also called: AHUS, SUSCEPTIBILITY TO, 5. Identifiers: Orphanet 2134, MedGen C2752037, MONDO:0013043, OMIM 612925.
Age related macular degeneration 9. Identifiers: MedGen C1969651, MONDO:0012659, OMIM 611378.
Complement component 3 deficiency. Identifiers: Orphanet 280133, MedGen C3151071, MONDO:0013417, OMIM 613779.
Inborn genetic diseases. Identifiers: MedGen C0950123, MeSH D030342.

gnomAD v4.1: 4 of 1,613,914 alleles (0.00025%); highest among the groups gnomAD compares: Admixed American, 0.0067%; no homozygotes.

Submissions (3):

Labcorp Genetics (formerly Invitae), Labcorp
Classification: Uncertain significance. Last evaluated: 2025-09-24. Review status: criteria provided, single submitter. Criteria: Invitae Variant Classification Sherloc (09022015). Collection method: clinical testing. Allele origin: germline.
Comment: This sequence change replaces leucine, which is neutral and non-polar, with valine, which is neutral and non-polar, at codon 866 of the C3 protein (p.Leu866Val). This variant is not present in population databases (gnomAD no frequency). This variant has not been reported in the literature in individuals affected with C3-related conditions. ClinVar contains an entry for this variant (Variation ID: 1406637). Invitae Evidence Modeling of protein sequence and biophysical properties (such as structural, functional, and spatial information, amino acid conservation, physicochemical variation, residue mobility, and thermodynamic stability) indicates that this missense variant is not expected to disrupt C3 protein function with a negative predictive value of 80%. In summary, the available evidence is currently insufficient to determine the role of this variant in disease. Therefore, it has been classified as a Variant of Uncertain Significance.

Ambry Genetics
Classification: Uncertain significance for Inborn genetic diseases. Last evaluated: 2025-03-19. Review status: criteria provided, single submitter. Criteria: Ambry Variant Classification Scheme 2023. Collection method: clinical testing. Allele origin: germline.

Fulgent Genetics
Classification: Uncertain significance for Age related macular degeneration 9; Atypical hemolytic-uremic syndrome with C3 anomaly; Complement component 3 deficiency. Last evaluated: 2024-06-20. Review status: criteria provided, single submitter. Criteria: ACMG Guidelines, 2015. Collection method: clinical testing. Allele origin: germline.

NM_000064.4(C3):c.2596C>G (p.Leu866Val)

Gene: C3 (complement C3; minus strand). Cytogenetic location: 19p13.3.
Variant type: single nucleotide variant.
Coding change: c.2596C>G on transcript NM_000064.4 (MANE Select); coding-DNA position 2596, C replaced by G.
Protein change: p.Leu866Val; replaces leucine 866 with valine.
Molecular consequence: missense variant.
Genome position (GRCh38, 1-based): chr19:6,697,544, G>C on the plus strand (C>G on the coding strand, the complement: C3 is on the minus strand). VCF-style: chr19-6697544-G-C. GRCh37 (hg19) VCF-style: chr19-6697555-G-C.
Other names: c.2596C>G (NM_000064.2); short protein forms L866V.
Identifiers: ClinVar variation 1406637 (VCV001406637.10), dbSNP rs1003444388, ClinGen allele CA304786163.